The following is an entry in ClinVar:

ClinVar aggregate classification (germline): Uncertain significance (1 of 4 stars; one submission).

Conditions:
Chédiak-Higashi syndrome (CHS). Also called: Chediak-Higashi Syndrome. Identifiers: Orphanet 167, MedGen C0007965, MONDO:0008963, OMIM 214500.

Submission:

Labcorp Genetics (formerly Invitae), Labcorp
Classification: Uncertain significance for Chédiak-Higashi syndrome. Last evaluated: 2018-11-13. Review status: criteria provided, single submitter. Criteria: Invitae Variant Classification Sherloc (09022015). Collection method: clinical testing. Allele origin: germline.
Comment: In summary, the available evidence is currently insufficient to determine the role of this variant in disease. Therefore, it has been classified as a Variant of Uncertain Significance. Algorithms developed to predict the effect of missense changes on protein structure and function (SIFT, PolyPhen-2, Align-GVGD) all suggest that this variant is likely to be tolerated, but these predictions have not been confirmed by published functional studies and their clinical significance is uncertain. This variant has not been reported in the literature in individuals with LYST-related disease. This variant is not present in population databases (ExAC no frequency). This sequence change replaces glutamic acid with lysine at codon 1205 of the LYST protein (p.Glu1205Lys). The glutamic acid residue is weakly conserved and there is a small physicochemical difference between glutamic acid and lysine.

NM_000081.4(LYST):c.3613G>A (p.Glu1205Lys)

Gene: LYST (lysosomal trafficking regulator; minus strand). Cytogenetic location: 1q42.3.
Variant type: single nucleotide variant.
Coding change: c.3613G>A on transcript NM_000081.4 (MANE Select); coding-DNA position 3613, G replaced by A.
Protein change: p.Glu1205Lys; replaces glutamic acid 1205 with lysine.
Molecular consequence: missense variant.
Genome position (GRCh38, 1-based): chr1:235,803,007, C>T on the plus strand (G>A on the coding strand, the complement: LYST is on the minus strand). VCF-style: chr1-235803007-C-T. GRCh37 (hg19) VCF-style: chr1-235966307-C-T.
Other names: c.3613G>A, p.Glu1205Lys (NM_001301365.1); short protein forms E1205K.
Identifiers: ClinVar variation 664347 (VCV000664347.8), dbSNP rs2527037632, ClinGen allele CA344947064.